The following is an entry in ClinVar:

NM_152383.5(DIS3L2):c.2611GAG[3] (p.Glu874del)

Gene: DIS3L2 (DIS3 like 3'-5' exoribonuclease 2; plus strand). Cytogenetic location: 2q37.1.
Variant type: Microsatellite.
Coding change: c.2611GAG[3] on transcript NM_152383.5 (MANE Select); three copies in a row of the 3-base unit GAG starting at c.2611; the reference has four copies in a row; one copy, 3 bases deleted; also written c.2620_2622del.
Protein change: p.Glu874del; deletes glutamic acid 874.
Molecular consequence: inframe deletion. On other transcripts: non-coding transcript variant (2), intron variant (1).
Genome position (GRCh38, 1-based): chr2:232,336,592-232,336,594, GAG deleted; deleting any 3 consecutive bases within chr2:232,336,581-232,336,594 gives the same sequence; the position shown is the placement nearest the transcript's 3' end. VCF-style (leftmost placement, unchanged base first): chr2-232336580-AAGG-A. GRCh37 (hg19) VCF-style: chr2-233201290-AAGG-A.
Other names: c.2620_2622delGAG (NM_152383.4); c.1582-6764AGG[3] (NM_001257281.2); c.2620_2622del (NM_152383.5); short protein forms E874del.
Identifiers: ClinVar variation 531955 (VCV000531955.9), dbSNP rs745307654, ClinGen allele CA66932562.
Genomic context (GRCh38, chr2:232,336,580, plus strand): 5'-GCCCTCAAGTACAGCGCCATCCTGAAGCGGCCAGGCACCCAGGGCCACCTGGGCCCTGAG[AAGG>A]AGGAGGAGGAGTCTGACGGTGAGCCCGAGGACTCAAGCACCAGCTGAGCTCCACCAGCCG-3'

ClinVar aggregate classification (germline): Uncertain significance. Review status: criteria provided, multiple submitters, no conflicts (2 of 4 stars). 2 submissions from 2 submitters: Uncertain significance (2). Last evaluated 2025-12-15.

Conditions:
Perlman syndrome (PRLMNS). Identifiers: Orphanet 2849, MedGen C0796113, MONDO:0009965, OMIM 267000.

Submissions (2):

Labcorp Genetics (formerly Invitae), Labcorp
Classification: Uncertain significance for Perlman syndrome. Last evaluated: 2025-12-15. Review status: criteria provided, single submitter. Criteria: Invitae Variant Classification Sherloc (09022015). Collection method: clinical testing. Allele origin: germline.
Comment: This variant, c.2620_2622del, results in the deletion of 1 amino acid(s) of the DIS3L2 protein (p.Glu874del), but otherwise preserves the integrity of the reading frame. The frequency data for this variant in the population databases is considered unreliable, as metrics indicate poor data quality at this position in the gnomAD database. This variant has not been reported in the literature in individuals affected with DIS3L2-related conditions. Experimental studies and prediction algorithms are not available or were not evaluated, and the functional significance of this variant is currently unknown. In summary, the available evidence is currently insufficient to determine the role of this variant in disease. Therefore, it has been classified as a Variant of Uncertain Significance.

Genomic Medicine Center of Excellence, King Faisal Specialist Hospital and Research Centre
Classification: Uncertain significance for Perlman syndrome. Last evaluated: 2024-03-29. Review status: criteria provided, single submitter. Criteria: ACMG Guidelines, 2015. Collection method: clinical testing. Allele origin: germline.